The following is an entry in ClinVar:

NM_000719.7(CACNA1C):c.3473T>A (p.Met1158Lys)

Gene: CACNA1C (calcium voltage-gated channel subunit alpha1 C; plus strand). Cytogenetic location: 12p13.33.
Variant type: single nucleotide variant.
Coding change: c.3473T>A on transcript NM_000719.7 (MANE Select); coding-DNA position 3473, T replaced by A.
Protein change: p.Met1158Lys; replaces methionine 1158 with lysine.
Molecular consequence: missense variant.
Genome position (GRCh38, 1-based): chr12:2,608,627, T>A. VCF-style: chr12-2608627-T-A. GRCh37 (hg19) VCF-style: chr12-2717793-T-A.
Other names: c.3533T>A, p.Met1178Lys (NM_001129827.2, NM_001129832.2, NM_199460.4); c.3473T>A, p.Met1158Lys (NM_001129829.2, NM_001129830.3, NM_001129831.2 and 15 more transcripts); c.3464T>A, p.Met1155Lys (NM_001129844.2); short protein forms M1158K, M1155K, M1178K.
Identifiers: ClinVar variation 968077 (VCV000968077.11), dbSNP rs2076323856, ClinGen allele CA383375471.

ClinVar aggregate classification (germline): Uncertain significance. Review status: criteria provided, multiple submitters, no conflicts (2 of 4 stars). 2 submissions from 2 submitters: Uncertain significance (2). Last evaluated 2026-04-09.

Conditions:
Long QT syndrome (LQTS). Identifiers: MedGen C0023976, MeSH D008133, MONDO:0002442. Disease mechanism: loss of function. Inheritance: Various modes of inheritance.

Submissions (2):

GeneDx
Classification: Uncertain significance. Last evaluated: 2026-04-09. Review status: criteria provided, single submitter. Criteria: GeneDx Variant Classification Process June 2021. Collection method: clinical testing. Allele origin: germline.
Comment: Not observed at significant frequency in large population cohorts (gnomAD); In silico analysis supports that this missense variant has a deleterious effect on protein structure/function; Has not been previously published as pathogenic or benign to our knowledge

Labcorp Genetics (formerly Invitae), Labcorp
Classification: Uncertain significance for Long QT syndrome. Last evaluated: 2024-02-17. Review status: criteria provided, single submitter. Criteria: Invitae Variant Classification Sherloc (09022015). Collection method: clinical testing. Allele origin: germline.
Comment: This sequence change replaces methionine, which is neutral and non-polar, with lysine, which is basic and polar, at codon 1158 of the CACNA1C protein (p.Met1158Lys). This variant is not present in population databases (gnomAD no frequency). This variant has not been reported in the literature in individuals affected with CACNA1C-related conditions. ClinVar contains an entry for this variant (Variation ID: 968077). Advanced modeling of protein sequence and biophysical properties (such as structural, functional, and spatial information, amino acid conservation, physicochemical variation, residue mobility, and thermodynamic stability) performed at Invitae indicates that this missense variant is expected to disrupt CACNA1C protein function with a positive predictive value of 95%. In summary, the available evidence is currently insufficient to determine the role of this variant in disease. Therefore, it has been classified as a Variant of Uncertain Significance.